The following is an entry in ClinVar:

ClinVar aggregate classification (germline): Pathogenic. Review status: criteria provided, multiple submitters, no conflicts (2 of 4 stars). 2 submissions from 2 submitters: Pathogenic (2). Last evaluated 2025-08-19.

Conditions:
Myofibrillar myopathy 5. Also called: FILAMINOPATHY, AUTOSOMAL DOMINANT; Filaminopathy (type). Identifiers: Orphanet 171445, MedGen C1836050, MONDO:0012289, OMIM 609524.
Distal myopathy with posterior leg and anterior hand involvement. Also called: WILLIAMS DISTAL MYOPATHY. Identifiers: Orphanet 63273, MedGen C3279722, MONDO:0013550, OMIM 614065.
Hypertrophic cardiomyopathy 26. Also called: Cardiomyopathy, familial hypertrophic, 26. Identifiers: Orphanet 75249, MedGen C4310749, MONDO:0014883, OMIM 617047.

Allele frequency attached by ClinVar (database versions not stated): gnomAD exomes below 0.00001.

Submissions (2):

GeneDx
Classification: Pathogenic. Last evaluated: 2025-08-19. Review status: criteria provided, single submitter. Criteria: GeneDx Variant Classification Process June 2021. Collection method: clinical testing. Allele origin: germline. Affected: yes.
Comment: Frameshift variant predicted to result in protein truncation or nonsense mediated decay in a gene for which loss-of-function is a known mechanism of disease; Not observed at significant frequency in large population cohorts (gnomAD); This variant is associated with the following publications: (PMID: 27908349, 28416588, 36396199)

Labcorp Genetics (formerly Invitae), Labcorp
Classification: Pathogenic for Distal myopathy with posterior leg and anterior hand involvement; Myofibrillar myopathy 5; Hypertrophic cardiomyopathy 26. Last evaluated: 2024-11-24. Review status: criteria provided, single submitter. Criteria: Invitae Variant Classification Sherloc (09022015). Collection method: clinical testing. Allele origin: germline.
Comment: This sequence change creates a premature translational stop signal (p.Pro2081Leufs*2) in the FLNC gene. It is expected to result in an absent or disrupted protein product. Loss-of-function variants in FLNC are known to be pathogenic (PMID: 27908349). This variant is not present in population databases (gnomAD no frequency). This premature translational stop signal has been observed in individual(s) with dilated cardiomyopathy (PMID: 27908349, 28416588). ClinVar contains an entry for this variant (Variation ID: 1072270). For these reasons, this variant has been classified as Pathogenic.

Literature cited by the submitters: PubMed 27908349 (cited by Labcorp Genetics (formerly Invitae), Labcorp); PubMed 28416588 (cited by Labcorp Genetics (formerly Invitae), Labcorp).

NM_001458.5(FLNC):c.6240_6259del (p.Pro2081fs)

Genes: FLNC (filamin C; plus strand), FLNC-AS1 (FLNC antisense RNA 1; minus strand). Cytogenetic location: 7q32.1.
Variant type: Deletion.
Coding change: c.6240_6259del on transcript NM_001458.5 (MANE Select); coding-DNA positions 6240 to 6259, 20 bases deleted (CCCAAGCAAGGTGGACATCA).
Protein change: p.Pro2081fs; shifts the reading frame from proline 2081.
Molecular consequence: frameshift variant.
Genome position (GRCh38, 1-based): chr7:128,853,500-128,853,519, CCCAAGCAAGGTGGACATCA deleted. VCF-style (leftmost placement, unchanged base first): chr7-128853499-GCCCAAGCAAGGTGGACATCA-G. GRCh37 (hg19) VCF-style: chr7-128493553-GCCCAAGCAAGGTGGACATCA-G.
Other names: c.6240_6259del (NM_001458.4); c.6240_6259delCCCAAGCAAGGTGGACATCA (NM_001458.4); c.6141_6160del, p.Pro2048fs (NM_001127487.2); short protein forms P2048fs, P2081fs.
Identifiers: ClinVar variation 1072270 (VCV001072270.12), dbSNP rs2128939085, ClinGen allele CA2499218751.